The following is an entry in ClinVar:

ClinVar aggregate classification (germline): Pathogenic (0 of 4 stars; one submission).

Conditions:
Cobalamin C disease. Also called: methylmalonic aciduria and homocystinuria type cblC; Cobalamin-C methylmalonic acidemia and homocystinuria; Methylmalonic acidemia and homocystinuria cblC type; Methylmalonic aciduria with homocystinuria cblC type; Methylmalonic aciduria and homocystinuria, Vitamin B12-responsive; Vitamin B12 metabolic defect with combined deficiency of methylmalonyl-CoA mutase and homocysteine:methyltetrahydrofolate methyltransferase. Identifiers: Orphanet 26, Orphanet 79282, MedGen C1848561, MONDO:0010184, OMIM 277400.

Submission:

Fulgent Genetics
Classification: Pathogenic for Cobalamin C disease. Review status: no assertion criteria provided. Collection method: clinical testing. Allele origin: unknown.
Comment: This variant has been detected in individual(s) who were sent for testing of Renasight - kidney gene panel.

GRCh37/hg19 1p34.1(chr1:45965972-45979054)

Genes: PRDX1 (peroxiredoxin 1; minus strand), MMACHC (metabolism of cobalamin associated C; plus strand). Cytogenetic location: 1p34.1.
Variant type: copy number loss.
Identifiers: ClinVar variation 1179112 (VCV001179112.2).